The following is an entry in ClinVar:

NM_000020.3(ACVRL1):c.137G>C (p.Cys46Ser)

Gene: ACVRL1 (activin A receptor like type 1; plus strand). Cytogenetic location: 12q13.13.
Variant type: single nucleotide variant.
Coding change: c.137G>C on transcript NM_000020.3 (MANE Select); coding-DNA position 137, G replaced by C.
Protein change: p.Cys46Ser; replaces cysteine 46 with serine.
Molecular consequence: missense variant.
Genome position (GRCh38, 1-based): chr12:51,913,174, G>C. VCF-style: chr12-51913174-G-C. GRCh37 (hg19) VCF-style: chr12-52306958-G-C.
Other names: NM_000020.3(ACVRL1):c.137G>C; p.Cys46Ser; c.137G>C, p.Cys46Ser (NM_001077401.2); short protein forms C46S.
Identifiers: ClinVar variation 533345 (VCV000533345.12), dbSNP rs1555152454, ClinGen allele CA384897664.
Genomic context (GRCh38, chr12:51,913,174, plus strand): 5'-CGTCTCGGGGCCCGCTGGTGACCTGCACGTGTGAGAGCCCACATTGCAAGGGGCCTACCT[G>C]CCGGGGGGCCTGGTGCACAGTAGTGCTGGTGCGGGAGGAGGGGAGGCACCCCCAGGAACA-3'
Protein context (NP_000011.2, residues 36-56): CESPHCKGPT[Cys46Ser]RGAWCTVVLV

ClinVar aggregate classification (germline): Likely pathogenic. Review status: reviewed by expert panel (3 of 4 stars). 3 submissions from 3 submitters: Likely pathogenic (1). 2 of the submissions do not count toward it. Last evaluated 2024-01-04.

Conditions:
Telangiectasia, hereditary hemorrhagic, type 2 (HHT2). Also called: ACVRL1-Related Hereditary Hemorrhagic Telangiectasia; Telangiectasia, hereditary hemorrhagic, type II. Identifiers: Orphanet 774, MedGen C1838163, MONDO:0010880, OMIM 600376. Disease mechanism: loss of function.
Cardiovascular phenotype. Identifiers: MedGen CN230736.

Submissions (3):

ClinGen Hereditary Hemorrhagic Telangiectasia Variant Curation Expert Panel, ClinGen
Classification: Likely pathogenic for Telangiectasia, hereditary hemorrhagic, type 2. Last evaluated: 2024-01-04. Review status: reviewed by expert panel. Criteria: ClinGen HHT ACMG Specifications ACVRL1 V1.1.0. Collection method: curation. Allele origin: germline. Inheritance: Autosomal dominant inheritance.
Comment: The NM_000020.3: c.137G>C variant in ACVRL1 is a missense variant predicted to cause substitution of cysteine by serine at amino acid 46 (p.Cys46Ser). This variant is absent from gnomAD v2.1.1 (PM2_Supporting). This variant has been reported in 4 probands with a phenotype consistent with HHT (PS4; ClinVar, Internal lab contributors). The computational predictor REVEL gives a score of 0.852, which is above the threshold of ≥0.644, evidence that correlates with impact to ACVRL1 function (PP3). In summary, this variant meets the criteria to be classified as likely pathogenic for autosomal dominant hereditary hemorrhagic telangiectasia based on the ACMG/AMP criteria applied, as specified by the ClinGen Hereditary Hemorrhagic Telangiectasia Variant Curation Expert Panel: PS4, PM2_Supporting, PP3 (specification version 1.1.0; 1/4/2024).

Labcorp Genetics (formerly Invitae), Labcorp
Classification: Pathogenic for Telangiectasia, hereditary hemorrhagic, type 2. Last evaluated: 2025-11-10. Review status: criteria provided, single submitter. Criteria: Invitae Variant Classification Sherloc (09022015). Collection method: clinical testing. Allele origin: germline. Not counted in ClinVar's aggregate classification.
Comment: This sequence change replaces cysteine, which is neutral and slightly polar, with serine, which is neutral and polar, at codon 46 of the ACVRL1 protein (p.Cys46Ser). This variant is not present in population databases (gnomAD no frequency). This missense change has been observed in individuals with clinical features of hereditary hemorrhagic telangiectasia (internal data). ClinVar contains an entry for this variant (Variation ID: 533345). Invitae Evidence Modeling of protein sequence and biophysical properties (such as structural, functional, and spatial information, amino acid conservation, physicochemical variation, residue mobility, and thermodynamic stability) indicates that this missense variant is expected to disrupt ACVRL1 protein function with a positive predictive value of 95%. This variant affects a cysteine residue located within the ACVRL1 protein ectodomain. Cysteine residues in this domain of ACVRL1 are involved in the formation of disulfide bridges critical for protein structure and stability (PMID: 22028876, 22718755, 22799562). In addition, missense substitutions within the ACVRL1 ectodomain affecting cysteine residues are overrepresented in patients with HHT (PMID: 20501893, 26176610 and an online resource). For these reasons, this variant has been classified as Pathogenic.

Ambry Genetics
Classification: Likely pathogenic for Cardiovascular phenotype. Last evaluated: 2023-05-01. Review status: criteria provided, single submitter. Criteria: Ambry Variant Classification Scheme 2023. Collection method: clinical testing. Allele origin: germline. Not counted in ClinVar's aggregate classification.
Comment: The p.C46S variant (also known as c.137G>C), located in coding exon 2 of the ACVRL1 gene, results from a G to C substitution at nucleotide position 137. The cysteine at codon 46 is replaced by serine, an amino acid with dissimilar properties. This alteration has been observed in multiple unrelated individuals with clinical features of hereditary hemorrhagic telangiectasia (Ambry internal data; external communication). This amino acid position is highly conserved in available vertebrate species. In addition, this alteration is predicted to be deleterious by in silico analysis. This variant is considered to be rare based on population cohorts in the Genome Aggregation Database (gnomAD). Based on the majority of available evidence to date, this variant is likely to be pathogenic.

Literature cited by the submitters: PubMed 22028876 (cited by Labcorp Genetics (formerly Invitae), Labcorp); PubMed 22718755 (cited by Labcorp Genetics (formerly Invitae), Labcorp); PubMed 22799562 (cited by Labcorp Genetics (formerly Invitae), Labcorp); PubMed 20501893 (cited by Labcorp Genetics (formerly Invitae), Labcorp); PubMed 26176610 (cited by Labcorp Genetics (formerly Invitae), Labcorp).